The following is an entry in ClinVar:

NM_021930.6(RINT1):c.88+3A>G

Gene: RINT1 (RAD50 interactor 1; plus strand). Cytogenetic location: 7q22.3.
Variant type: single nucleotide variant.
Coding change: c.88+3A>G on transcript NM_021930.6 (MANE Select); 3 bases into the intron after coding-DNA position 88, A replaced by G.
Molecular consequence: intron variant.
Genome position (GRCh38, 1-based): chr7:105,532,872, A>G. VCF-style: chr7-105532872-A-G. GRCh37 (hg19) VCF-style: chr7-105173319-A-G.
Other names: c.-932+3A>G (NM_001346600.2); c.-835+3A>G (NM_001346601.2); c.-455+3A>G (NM_001346603.2); c.-10+3A>G (NM_001346599.2).
Identifiers: ClinVar variation 1009694 (VCV001009694.6), dbSNP rs781273192, ClinGen allele CA1731737376.

ClinVar aggregate classification (germline): Uncertain significance (1 of 4 stars; one submission).

Submission:

Labcorp Genetics (formerly Invitae), Labcorp
Classification: Uncertain significance. Last evaluated: 2025-07-30. Review status: criteria provided, single submitter. Criteria: Invitae Variant Classification Sherloc (09022015). Collection method: clinical testing. Allele origin: germline.
Comment: This sequence change falls in intron 2 of the RINT1 gene. It does not directly change the encoded amino acid sequence of the RINT1 protein. It affects a nucleotide within the consensus splice site. This variant is not present in population databases (gnomAD no frequency). This variant has not been reported in the literature in individuals affected with RINT1-related conditions. ClinVar contains an entry for this variant (Variation ID: 1009694). Variants that disrupt the consensus splice site are a relatively common cause of aberrant splicing (PMID: 17576681, 9536098). Algorithms developed to predict the effect of sequence changes on RNA splicing suggest that this variant may disrupt the consensus splice site. In summary, the available evidence is currently insufficient to determine the role of this variant in disease. Therefore, it has been classified as a Variant of Uncertain Significance.

Literature cited by the submitters: PubMed 17576681; PubMed 9536098.